The following is an entry in ClinVar:

ClinVar aggregate classification (germline): Uncertain significance (1 of 4 stars; one submission).

Allele frequency attached by ClinVar (database versions not stated): gnomAD exomes below 0.00001.
gnomAD v4.1: 4 of 1,613,290 alleles (0.00025%); highest among the groups gnomAD compares: Non-Finnish European, 0.00034%; no homozygotes.

Submission:

Labcorp Genetics (formerly Invitae), Labcorp
Classification: Uncertain significance. Last evaluated: 2021-09-06. Review status: criteria provided, single submitter. Criteria: Invitae Variant Classification Sherloc (09022015). Collection method: clinical testing. Allele origin: germline.
Comment: This sequence change replaces asparagine with lysine at codon 910 of the TOP2B protein (p.Asn910Lys). The asparagine residue is highly conserved and there is a moderate physicochemical difference between asparagine and lysine. This variant is not present in population databases (ExAC no frequency). This variant has not been reported in the literature in individuals affected with TOP2B-related conditions. Algorithms developed to predict the effect of missense changes on protein structure and function (SIFT, PolyPhen-2, Align-GVGD) all suggest that this variant is likely to be tolerated. In summary, the available evidence is currently insufficient to determine the role of this variant in disease. Therefore, it has been classified as a Variant of Uncertain Significance.

NM_001330700.2(TOP2B):c.2745C>G (p.Asn915Lys)

Gene: TOP2B (DNA topoisomerase II beta; minus strand). Cytogenetic location: 3p24.2.
Variant type: single nucleotide variant.
Coding change: c.2745C>G on transcript NM_001330700.2 (MANE Select); coding-DNA position 2745, C replaced by G.
Protein change: p.Asn915Lys; replaces asparagine 915 with lysine.
Molecular consequence: missense variant.
Genome position (GRCh38, 1-based): chr3:25,620,799, G>C on the plus strand (C>G on the coding strand, the complement: TOP2B is on the minus strand). VCF-style: chr3-25620799-G-C. GRCh37 (hg19) VCF-style: chr3-25662290-G-C.
Other names: c.2730C>G, p.Asn910Lys (NM_001068.3); short protein forms N910K, N915K.
Identifiers: ClinVar variation 1433372 (VCV001433372.6), dbSNP rs2125365391, ClinGen allele CA351899738.